The following is an entry in ClinVar:

NM_006517.5(SLC16A2):c.1461dup (p.Ile488fs)

Gene: SLC16A2 (solute carrier family 16 member 2; plus strand). Cytogenetic location: Xq13.2.
Variant type: Duplication.
Coding change: c.1461dup on transcript NM_006517.5 (MANE Select); coding-DNA position 1461, one base duplicated (C; older notation c.1461dupC).
Protein change: p.Ile488fs; shifts the reading frame from isoleucine 488.
Molecular consequence: frameshift variant.
Genome position (GRCh38, 1-based): chrX:74,531,394, C duplicated; the last of 6 consecutive C bases (chrX:74,531,389-74,531,394); duplicating any one gives the same sequence. VCF-style (leftmost placement, unchanged base first): chrX-74531388-G-GC. GRCh37 (hg19) VCF-style: chrX-73751223-G-GC.
Other names: short protein forms I488fs.
Identifiers: ClinVar variation 1687151 (VCV001687151.1), dbSNP rs2147350836, ClinGen allele CA2573159629.

ClinVar aggregate classification (germline): Likely pathogenic (1 of 4 stars; one submission).

Conditions:
Allan-Herndon-Dudley syndrome (AHDS). Also called: ALLAN-HERNDON SYNDROME; MENTAL RETARDATION AND MUSCULAR ATROPHY; T3 RESISTANCE; TRIIODOTHYRONINE RESISTANCE; Passos-Bueno syndrome. Identifiers: Orphanet 59, MedGen C0795889, MONDO:0010354, OMIM 300523.

Submission:

3billion
Classification: Likely pathogenic for Allan-Herndon-Dudley syndrome. Last evaluated: 2022-05-22. Review status: criteria provided, single submitter. Criteria: ACMG Guidelines, 2015. Collection method: clinical testing. Allele origin: germline. Affected: yes. Observed: 1 hemizygote.
Comment: The variant is not observed in the gnomAD v2.1.1 dataset. Frameshift: predicted to result in a loss or disruption of normal protein function through protein truncation. The predicted truncated protein may be shortened by more than 10%. The variant has been reported to be associated with SLC16A2 related disorder (PMID: 32559475). Therefore, this variant is classified as likely pathogenic according to the recommendation of ACMG/AMP guideline.

Literature cited by the submitters: PubMed 32559475.